The following is an entry in ClinVar:

ClinVar aggregate classification (germline): Uncertain significance (1 of 4 stars; one submission).

gnomAD v4.1: 4 of 1,207,119 alleles (0.00033%); highest among the groups gnomAD compares: Non-Finnish European, 0.00011%; no homozygotes.

Submission:

GeneDx
Classification: Uncertain significance. Last evaluated: 2024-02-01. Review status: criteria provided, single submitter. Criteria: GeneDx Variant Classification Process June 2021. Collection method: clinical testing. Allele origin: germline. Affected: yes.
Comment: In silico analysis supports that this missense variant has a deleterious effect on protein structure/function; Has not been previously published as pathogenic or benign to our knowledge

NM_001034853.2(RPGR):c.962A>G (p.Asp321Gly)

Gene: RPGR (retinitis pigmentosa GTPase regulator; minus strand). Cytogenetic location: Xp11.4.
Variant type: single nucleotide variant.
Coding change: c.962A>G on transcript NM_001034853.2 (MANE Select); coding-DNA position 962, A replaced by G.
Protein change: p.Asp321Gly; replaces aspartic acid 321 with glycine.
Molecular consequence: missense variant. On other transcripts: non-coding transcript variant (6).
Genome position (GRCh38, 1-based): chrX:38,301,344, T>C on the plus strand (A>G on the coding strand, the complement: RPGR is on the minus strand). VCF-style: chrX-38301344-T-C. GRCh37 (hg19) VCF-style: chrX-38160597-T-C.
Other names: c.962A>G, p.Asp321Gly (NM_000328.3, NM_001367246.1, NM_001367247.1 and 1 more transcripts); c.959A>G, p.Asp320Gly (NM_001367245.1, NM_001367249.1, NM_001367250.1); c.992A>G, p.Asp331Gly (NM_001367248.1); short protein forms D320G, D321G, D331G.
Identifiers: ClinVar variation 3341041 (VCV003341041.1).